The following is an entry in ClinVar:

NM_000059.4(BRCA2):c.5298del (p.Asn1766fs)

Gene: BRCA2 (BRCA2 DNA repair associated; plus strand). Cytogenetic location: 13q13.1.
Variant type: Deletion.
Coding change: c.5298del on transcript NM_000059.4 (MANE Select); coding-DNA position 5298, one base deleted (T; older notation c.5298delT).
Protein change: p.Asn1766fs; shifts the reading frame from asparagine 1766.
Molecular consequence: frameshift variant.
Genome position (GRCh38, 1-based): chr13:32,339,653, T deleted. VCF-style (leftmost placement, unchanged base first): chr13-32339652-AT-A. GRCh37 (hg19) VCF-style: chr13-32913789-AT-A.
Other names: 5526delT; c.5298delT (NM_000059.3); short protein forms N1766fs.
Identifiers: ClinVar variation 266869 (VCV000266869.7), dbSNP rs886040586, ClinGen allele CA10589306.
Genomic context (GRCh38, chr13:32,339,652, plus strand): 5'-CTAACAGCTATTCCTACCATTCTGATGAGGTATATAATGATTCAGGATATCTCTCAAAAA[AT>A]AAACTTGATTCTGGTATTGAGCCAGTATTGAAGAATGTTGAAGATCAAAAAAACACTAGT-3'

ClinVar aggregate classification (germline): Pathogenic. Review status: reviewed by expert panel (3 of 4 stars). 3 submissions from 3 submitters: Pathogenic (1). 2 of the submissions do not count toward it. Last evaluated 2016-10-18.

Conditions:
Hereditary cancer-predisposing syndrome. Also called: Hereditary neoplastic syndrome; Neoplastic Syndromes, Hereditary; Tumor predisposition; Hereditary Cancer Syndrome. Identifiers: Orphanet 140162, MedGen C0027672, MeSH D009386, MONDO:0015356.
Breast-ovarian cancer, familial, susceptibility to, 2 (BROVCA2). Also called: BRCA2 Hereditary Breast and Ovarian Cancer. Identifiers: Orphanet 145, MedGen C2675520, MONDO:0012933, OMIM 612555. Disease mechanism: loss of function.

Submissions (3):

Evidence-based Network for the Interpretation of Germline Mutant Alleles (ENIGMA)
Classification: Pathogenic for Breast-ovarian cancer, familial, susceptibility to, 2. Last evaluated: 2016-10-18. Review status: reviewed by expert panel. Criteria: ENIGMA BRCA1/2 Classification Criteria (2015). Collection method: curation. Allele origin: germline.
Comment: Variant allele predicted to encode a truncated non-functional protein.

Ambry Genetics
Classification: Pathogenic for Hereditary cancer-predisposing syndrome. Last evaluated: 2021-06-16. Review status: criteria provided, single submitter. Criteria: Ambry Variant Classification Scheme 2023. Collection method: clinical testing. Allele origin: germline. Not counted in ClinVar's aggregate classification.
Comment: The c.5298delT pathogenic mutation, located in coding exon 10 of the BRCA2 gene, results from a deletion of one nucleotide at nucleotide position 5298, causing a translational frameshift with a predicted alternate stop codon (p.N1766Kfs*11). This alteration was identified in a large, worldwide study of BRCA1/2 mutation-positive families (Rebbeck TR et al. Hum Mutat 2018 05;39:593-620). This alteration is expected to result in loss of function by premature protein truncation or nonsense-mediated mRNA decay. As such, this alteration is interpreted as a disease-causing mutation.

Consortium of Investigators of Modifiers of BRCA1/2 (CIMBA), c/o University of Cambridge
Classification: Pathogenic for Breast-ovarian cancer, familial, susceptibility to, 2. Last evaluated: 2015-10-02. Review status: criteria provided, single submitter. Criteria: CIMBA Mutation Classification guidelines May 2016. Collection method: clinical testing. Allele origin: germline. Not counted in ClinVar's aggregate classification.

Literature cited by the submitters: PubMed 29446198 (cited by Ambry Genetics).